The following is an entry in ClinVar:

NM_032043.3(BRIP1):c.2298_2301del (p.Ser766fs)

Gene: BRIP1 (BRCA1 interacting DNA helicase 1; minus strand). Cytogenetic location: 17q23.2.
Variant type: Microsatellite.
Coding change: c.2298_2301del on transcript NM_032043.3 (MANE Select); coding-DNA positions 2298 to 2301, 4 bases deleted (TGAG; older notation c.2298_2301delTGAG).
Protein change: p.Ser766fs; shifts the reading frame from serine 766.
Molecular consequence: frameshift variant.
Genome position (GRCh38, 1-based): chr17:61,743,091-61,743,094, CTCA deleted on the plus strand (TGAG on the coding strand, the reverse complement: BRIP1 is on the minus strand); deleting any 4 consecutive bases within chr17:61,743,091-61,743,100 gives the same sequence; the c. name uses the placement nearest the transcript's 3' end. VCF-style (leftmost placement, unchanged base first): chr17-61743090-CCTCA-C. GRCh37 (hg19) VCF-style: chr17-59820451-CCTCA-C.
Other names: short protein forms S766fs.
Identifiers: ClinVar variation 1451419 (VCV001451419.10), dbSNP rs2144678308, ClinGen allele CA2580613188.

ClinVar aggregate classification (germline): Pathogenic. Review status: criteria provided, multiple submitters, no conflicts (2 of 4 stars). 3 submissions from 3 submitters: Pathogenic (3). Last evaluated 2024-09-10.

Conditions:
Hereditary cancer-predisposing syndrome. Also called: Tumor predisposition; Hereditary neoplastic syndrome; Hereditary Cancer Syndrome; Neoplastic Syndromes, Hereditary. Identifiers: Orphanet 140162, MedGen C0027672, MeSH D009386, MONDO:0015356.
Familial cancer of breast. Also called: BREAST CANCER, FAMILIAL; Hereditary breast cancer; hereditary breast carcinoma. Identifiers: Orphanet 227535, MedGen C0346153, MONDO:0016419, OMIM 114480. Disease mechanism: loss of function.
Fanconi anemia complementation group J. Also called: BRIP1-Related Fanconi Anemia. Identifiers: Orphanet 84, MedGen C1836860, MONDO:0012187, OMIM 609054.

Submissions (3):

Labcorp Genetics (formerly Invitae), Labcorp
Classification: Pathogenic for Familial cancer of breast; Fanconi anemia complementation group J. Last evaluated: 2024-09-10. Review status: criteria provided, single submitter. Criteria: Invitae Variant Classification Sherloc (09022015). Collection method: clinical testing. Allele origin: germline.
Comment: This sequence change creates a premature translational stop signal (p.Ser766Argfs*14) in the BRIP1 gene. It is expected to result in an absent or disrupted protein product. Loss-of-function variants in BRIP1 are known to be pathogenic (PMID: 16116423, 17033622, 21964575). This variant is not present in population databases (gnomAD no frequency). This variant has not been reported in the literature in individuals affected with BRIP1-related conditions. ClinVar contains an entry for this variant (Variation ID: 1451419). Algorithms developed to predict the effect of sequence changes on RNA splicing suggest that this variant may disrupt the consensus splice site. For these reasons, this variant has been classified as Pathogenic.

Myriad Genetics, Inc.
Classification: Pathogenic for Familial cancer of breast. Last evaluated: 2023-06-06. Review status: criteria provided, single submitter. Criteria: Myriad Autosomal Dominant, Autosomal Recessive and X-Linked Classification Criteria (2023). Collection method: clinical testing. Allele origin: unknown.
Comment: This variant is considered pathogenic. This variant creates a frameshift predicted to result in premature protein truncation.

Ambry Genetics
Classification: Pathogenic for Hereditary cancer-predisposing syndrome. Last evaluated: 2019-01-30. Review status: criteria provided, single submitter. Criteria: Ambry Variant Classification Scheme 2023. Collection method: clinical testing. Allele origin: germline.
Comment: The c.2298_2301delTGAG pathogenic mutation, located in coding exon 15 of the BRIP1 gene, results from a deletion of 4 nucleotides at nucleotide positions 2298 to 2301, causing a translational frameshift with a predicted alternate stop codon (p.S766Rfs*14). This alteration is expected to result in loss of function by premature protein truncation or nonsense-mediated mRNA decay. As such, this alteration is interpreted as a disease-causing mutation.

Literature cited by the submitters: PubMed 16116423 (cited by Labcorp Genetics (formerly Invitae), Labcorp); PubMed 17033622 (cited by Labcorp Genetics (formerly Invitae), Labcorp); PubMed 21964575 (cited by Labcorp Genetics (formerly Invitae), Labcorp).